The following is an entry in ClinVar:

ClinVar aggregate classification (germline): Pathogenic (1 of 4 stars; one submission).

Conditions:
Long QT syndrome (LQTS). Identifiers: MedGen C0023976, MeSH D008133, MONDO:0002442. Disease mechanism: loss of function. Inheritance: Various modes of inheritance.

Submission:

Labcorp Genetics (formerly Invitae), Labcorp
Classification: Pathogenic for Long QT syndrome. Last evaluated: 2022-01-11. Review status: criteria provided, single submitter. Criteria: Invitae Variant Classification Sherloc (09022015). Collection method: clinical testing. Allele origin: germline.
Comment: For these reasons, this variant has been classified as Pathogenic. This variant disrupts the p.Arg259 amino acid residue in KCNQ1. Other variant(s) that disrupt this residue have been determined to be pathogenic (PMID: 11021476, 16922724, 19841300, 22949429). This suggests that this residue is clinically significant, and that variants that disrupt this residue are likely to be disease-causing. Algorithms developed to predict the effect of missense changes on protein structure and function (SIFT, PolyPhen-2, Align-GVGD) all suggest that this variant is likely to be disruptive. This missense change has been observed in individual(s) with Jervell and Lange-Nielsen syndrome and long QT syndrome (PMID: 27868350; Invitae). In at least one individual the data is consistent with being in trans (on the opposite chromosome) from a pathogenic variant. This variant is not present in population databases (gnomAD no frequency). This sequence change replaces arginine, which is basic and polar, with glycine, which is neutral and non-polar, at codon 259 of the KCNQ1 protein (p.Arg259Gly).

Literature cited by the submitters: PubMed 11021476; PubMed 16922724; PubMed 19841300; PubMed 22949429; PubMed 27868350.

NM_000218.3(KCNQ1):c.775C>G (p.Arg259Gly)

Gene: KCNQ1 (potassium voltage-gated channel subfamily Q member 1; plus strand). Cytogenetic location: 11p15.5.
Variant type: single nucleotide variant.
Coding change: c.775C>G on transcript NM_000218.3 (MANE Select); coding-DNA position 775, C replaced by G.
Protein change: p.Arg259Gly; replaces arginine 259 with glycine.
Molecular consequence: missense variant.
Genome position (GRCh38, 1-based): chr11:2,572,104, C>G. VCF-style: chr11-2572104-C-G. GRCh37 (hg19) VCF-style: chr11-2593334-C-G.
Other names: c.775C>G, p.Arg259Gly (NM_001406836.1); c.505C>G, p.Arg169Gly (NM_001406837.1); c.394C>G, p.Arg132Gly (NM_181798.2); short protein forms R259G, R169G, R132G.
Identifiers: ClinVar variation 2136957 (VCV002136957.4), dbSNP rs199472719, ClinGen allele CA379131099.